The following is an entry in ClinVar:

ClinVar aggregate classification (germline): Uncertain significance (1 of 4 stars; one submission).

Submission:

Labcorp Genetics (formerly Invitae), Labcorp
Classification: Uncertain significance. Last evaluated: 2022-09-26. Review status: criteria provided, single submitter. Criteria: Invitae Variant Classification Sherloc (09022015). Collection method: clinical testing. Allele origin: germline.
Comment: A copy number gain of the genomic region encompassing the full coding sequence of the GP6 gene has been identified. The boundaries of this event are unknown as they extend beyond the assayed region for this gene and therefore may encompass additional genes. As the precise location of this event is unknown, it may be in tandem or it may be located elsewhere in the genome. This variant has not been reported in the literature in individuals affected with GP6-related conditions. In summary, the available evidence is currently insufficient to determine the role of this variant in disease. Therefore, it has been classified as a Variant of Uncertain Significance.

NC_000019.9:g.(?_55525450)_(55549604_?)dup

Gene: GP6 (glycoprotein VI platelet; minus strand). Cytogenetic location: 19q13.42.
Variant type: Duplication.
Identifiers: ClinVar variation 2423671 (VCV002423671.3).